The following is an entry in ClinVar:

NM_001365536.1(SCN9A):c.5261T>C (p.Met1754Thr)

Genes: SCN1A-AS1 (SCN1A and SCN9A antisense RNA 1; plus strand), SCN9A (sodium voltage-gated channel alpha subunit 9; minus strand). Cytogenetic location: 2q24.3.
Variant type: single nucleotide variant.
Coding change: c.5261T>C on transcript NM_001365536.1 (MANE Select); coding-DNA position 5261, T replaced by C.
Protein change: p.Met1754Thr; replaces methionine 1754 with threonine.
Molecular consequence: missense variant.
Genome position (GRCh38, 1-based): chr2:166,199,378, A>G on the plus strand (T>C on the coding strand, the complement: SCN9A is on the minus strand). VCF-style: chr2-166199378-A-G. GRCh37 (hg19) VCF-style: chr2-167055888-A-G.
Other names: c.5228T>C, p.Met1743Thr (NM_002977.4); short protein forms M1743T, M1754T.
Identifiers: ClinVar variation 646224 (VCV000646224.7), dbSNP rs1574692455, ClinGen allele CA349053895.
Genomic context (GRCh38, chr2:166,199,378, plus strand): 5'-AGAGGTTCAGTACTTTCTTCAGTGGCAACACTAAAATTCTCCAGTATGACTGCAATGTAC[A>G]TGTTCACCACAACCAGGAAGGATATGATGATATAACTAACAAAGTAGAATATTCCAACAG-3'
Protein context (NP_001352465.1, residues 1744-1764): IIISFLVVVN[Met1754Thr]YIAVILENFS

ClinVar aggregate classification (germline): Uncertain significance (1 of 4 stars; one submission).

Conditions:
Neuropathy, hereditary sensory and autonomic, type 2A (HSAN2A). Also called: WNK1-Related HSAN2 (HSAN2A); HSAN IIA; NEUROPATHY, CONGENITAL SENSORY; MORVAN DISEASE; ACROOSTEOLYSIS, GIACCAI TYPE; ACROOSTEOLYSIS, NEUROGENIC. Identifiers: Orphanet 970, MedGen C2752089, MONDO:0024309, OMIM 201300.
Generalized epilepsy with febrile seizures plus, type 7 (GEFSP7). Also called: GEFS+, TYPE 7. Identifiers: Orphanet 36387, MedGen C2751778, MONDO:0013470, OMIM 613863.

Submission:

Labcorp Genetics (formerly Invitae), Labcorp
Classification: Uncertain significance for Neuropathy, hereditary sensory and autonomic, type 2A; Generalized epilepsy with febrile seizures plus, type 7. Last evaluated: 2025-01-22. Review status: criteria provided, single submitter. Criteria: Invitae Variant Classification Sherloc (09022015). Collection method: clinical testing. Allele origin: germline.
Comment: This sequence change replaces methionine, which is neutral and non-polar, with threonine, which is neutral and polar, at codon 1743 of the SCN9A protein (p.Met1743Thr). This variant is not present in population databases (gnomAD no frequency). This variant has not been reported in the literature in individuals affected with SCN9A-related conditions. ClinVar contains an entry for this variant (Variation ID: 646224). Invitae Evidence Modeling of protein sequence and biophysical properties (such as structural, functional, and spatial information, amino acid conservation, physicochemical variation, residue mobility, and thermodynamic stability) has been performed for this missense variant. However, the output from this modeling did not meet the statistical confidence thresholds required to predict the impact of this variant on SCN9A protein function. In summary, the available evidence is currently insufficient to determine the role of this variant in disease. Therefore, it has been classified as a Variant of Uncertain Significance.